The following is an entry in ClinVar:

ClinVar aggregate classification (germline): Pathogenic. Review status: criteria provided, multiple submitters, no conflicts (2 of 4 stars). 6 submissions from 6 submitters: Pathogenic (4). 2 of the submissions do not count toward it. Last evaluated 2024-03-03.

Conditions:
FANCA-related disorder. Also called: FANCA-related condition.
Fanconi anemia (FA). Also called: Fanconi's anemia. Identifiers: Orphanet 84, MedGen C0015625, MeSH D005199, MONDO:0019391.
Fanconi anemia complementation group A (FANCA). Also called: Fanconi anemia, group A; FANCA-Related Fanconi Anemia. Identifiers: Orphanet 84, MedGen C3469521, MONDO:0009215, OMIM 227650.

Submissions (6):

Baylor Genetics
Classification: Pathogenic for Fanconi anemia complementation group A. Last evaluated: 2024-03-03. Review status: criteria provided, single submitter. Criteria: ACMG Guidelines, 2015. Collection method: clinical testing. Allele origin: unknown.

Labcorp Genetics (formerly Invitae), Labcorp
Classification: Pathogenic for Fanconi anemia. Last evaluated: 2023-11-18. Review status: criteria provided, single submitter. Criteria: Invitae Variant Classification Sherloc (09022015). Collection method: clinical testing. Allele origin: germline.
Comment: This sequence change creates a premature translational stop signal (p.Ser1311*) in the FANCA gene. It is expected to result in an absent or disrupted protein product. Loss-of-function variants in FANCA are known to be pathogenic (PMID: 19367192). This variant is present in population databases (no rsID available, gnomAD 0.003%). This premature translational stop signal has been observed in individual(s) with clinical features of Fanconi anemia (PMID: 29098742, 30792206). For these reasons, this variant has been classified as Pathogenic.

Revvity Omics, Revvity
Classification: Pathogenic for Fanconi anemia complementation group A. Last evaluated: 2022-12-20. Review status: criteria provided, single submitter. Criteria: ACMG Guidelines, 2015. Collection method: clinical testing. Allele origin: germline.

Neuberg Centre For Genomic Medicine, NCGM
Classification: Pathogenic for Fanconi anemia complementation group A. Review status: criteria provided, single submitter. Criteria: ACMG Guidelines, 2015. Collection method: clinical testing. Allele origin: germline. Inheritance: Autosomal recessive inheritance. Affected: yes.
Comment: The frameshift variant c.3931_3932del (p.Ser1311Ter) in FANCA gene has been observed in individual(s) with clinical features of Fanconi anemia(Kimble DC et.al.,2018). This sequence change creates a premature translational stop signal (p.Ser1311*) in the FANCA gene. This variant has been reported to the ClinVar database as Pathogenic. The c.3931_3932del variant is novel (not in any individuals) in 1000 Genomes and allele frequency of 0.0003977% is reported in gnomAD. This variant is expected to result in an absent or disrupted protein product. Loss-of-function variants in FANCA are known to be pathogenic. For these reasons, this variant has been classified as Pathogenic.

Cytogenetics and Genomics Laboratory, 'Dr. Enrique Corona Rivera' Institute of Human Genetics
Classification: Pathogenic for Fanconi Anemia. Last evaluated: 2024-08-16. Review status: no assertion criteria provided. Collection method: research. Allele origin: germline. Affected: yes. Observed: 3 variant alleles. Not counted in ClinVar's aggregate classification.
Comment: The variant caused a frameshift in the protein sequence, this led to a change in the amino acid sequence, which may cause a nonsense-mediated mRNA decay in the protein.

PreventionGenetics, part of Exact Sciences
Classification: Pathogenic for FANCA-related condition. Last evaluated: 2023-12-20. Review status: no assertion criteria provided. Collection method: clinical testing. Allele origin: germline. Not counted in ClinVar's aggregate classification.
Comment: The FANCA c.3931_3932delAG variant is predicted to result in premature protein termination (p.Ser1311*). This variant has been reported in individuals with Fanconi anemia (Kimble et al. 2018. PubMed ID: 29098742; Mori et al. 2019. PubMed ID: 30792206. Table S3). This variant is reported in 0.0029% of alleles in individuals of Latino descent in gnomAD. This variant is interpreted as pathogenic.

Literature cited by the submitters: PubMed 19367192 (cited by Labcorp Genetics (formerly Invitae), Labcorp); PubMed 29098742 (cited by Labcorp Genetics (formerly Invitae), Labcorp); PubMed 30792206 (cited by Labcorp Genetics (formerly Invitae), Labcorp).

NM_000135.4(FANCA):c.3931_3932del (p.Glu1310_Ser1311insTer)

Genes: FANCA (FA complementation group A; minus strand), ZNF276 (zinc finger protein 276; plus strand). Cytogenetic location: 16q24.3.
Variant type: Microsatellite.
Coding change: c.3931_3932del on transcript NM_000135.4 (MANE Select); coding-DNA positions 3931 to 3932, 2 bases deleted (AG; older notation c.3931_3932delAG).
Protein change: p.Glu1310_Ser1311insTer.
Molecular consequence: nonsense. On other transcripts: frameshift variant (1), 3 prime UTR variant (2), non-coding transcript variant (4).
Genome position (GRCh38, 1-based): chr16:89,739,996-89,739,997, CT deleted on the plus strand (AG on the coding strand, the reverse complement: FANCA is on the minus strand); deleting any 2 consecutive bases within chr16:89,739,996-89,740,001 gives the same sequence; the c. name uses the placement nearest the transcript's 3' end. VCF-style (leftmost placement, unchanged base first): chr16-89739995-ACT-A. GRCh37 (hg19) VCF-style: chr16-89806403-ACT-A.
Other names: c.3931_3932delAG (NM_000135.2, NM_000135.4); c.3931_3932del, p.Glu1310_Ser1311insTer (NM_001286167.3); c.*1750CT[2] (NM_001113525.2, NM_152287.4).
Identifiers: ClinVar variation 1322873 (VCV001322873.15), dbSNP rs1403231932, ClinGen allele CA624278909.